The following is an entry in ClinVar:

ClinVar aggregate classification (germline): Uncertain significance (1 of 4 stars; one submission).

Conditions:
Cardiovascular phenotype. Identifiers: MedGen CN230736.

Submission:

Ambry Genetics
Classification: Uncertain significance for Cardiovascular phenotype. Last evaluated: 2022-04-29. Review status: criteria provided, single submitter. Criteria: Ambry Variant Classification Scheme 2023. Collection method: clinical testing. Allele origin: germline.
Comment: The p.P2964S variant (also known as c.8890C>T), located in coding exon 36 of the AKAP9 gene, results from a C to T substitution at nucleotide position 8890. The proline at codon 2964 is replaced by serine, an amino acid with similar properties. This amino acid position is conserved. In addition, this alteration is predicted to be tolerated by in silico analysis. Since supporting evidence is limited at this time, the clinical significance of this alteration remains unclear.

NM_005751.5(AKAP9):c.8890C>T (p.Pro2964Ser)

Gene: AKAP9 (A-kinase anchoring protein 9; plus strand). Cytogenetic location: 7q21.2.
Variant type: single nucleotide variant.
Coding change: c.8890C>T on transcript NM_005751.5 (MANE Select); coding-DNA position 8890, C replaced by T.
Protein change: p.Pro2964Ser; replaces proline 2964 with serine.
Molecular consequence: missense variant.
Genome position (GRCh38, 1-based): chr7:92,085,552, C>T. VCF-style: chr7-92085552-C-T. GRCh37 (hg19) VCF-style: chr7-91714866-C-T.
Other names: c.3535C>T, p.Pro1179Ser (NM_001379277.1); c.8866C>T, p.Pro2956Ser (NM_147185.3); short protein forms P2964S, P1179S, P2956S.
Identifiers: ClinVar variation 1765004 (VCV001765004.2), dbSNP rs2535266490, ClinGen allele CA368142913.